The following is an entry in ClinVar:

ClinVar aggregate classification (germline): Benign (1 of 4 stars; one submission).

Allele frequency attached by ClinVar (database versions not stated): 1000 Genomes Project 30x 0.51015; TOPMed 0.55831; gnomAD 0.56252 and 0.56146; 1000 Genomes Project 0.50938.
gnomAD v4.1: 85,284 of 151,844 alleles (56%); highest among the groups gnomAD compares: Admixed American, 65%; 24,656 homozygotes.

Submissions (4):

GeneDx
Classification: Benign. Last evaluated: 2018-06-14. Review status: criteria provided, single submitter. Criteria: GeneDx Variant Classification (06012015). Collection method: clinical testing. Allele origin: germline. Affected: yes.
Comment: This variant is considered likely benign or benign based on one or more of the following criteria: it is a conservative change, it occurs at a poorly conserved position in the protein, it is predicted to be benign by multiple in silico algorithms, and/or has population frequency not consistent with disease.

Dr. Peter K. Rogan Lab, Western University
No classification provided (evidence only). Condition: Malignant lymphoma, large B-cell, diffuse. Review status: no classification provided. Collection method: in vitro. Allele origin: not applicable. Functional consequence: retained intron. Not counted in ClinVar's aggregate classification.

Dr. Peter K. Rogan Lab, Western University
No classification provided (evidence only). Condition: Uterine carcinosarcoma. Review status: no classification provided. Collection method: in vitro. Allele origin: not applicable. Functional consequence: retained intron. Not counted in ClinVar's aggregate classification.

Dr. Peter K. Rogan Lab, Western University
No classification provided (evidence only). Condition: Uterine carcinosarcoma. Review status: no classification provided. Collection method: in vitro. Allele origin: not applicable. Functional consequence: retained intron. Not counted in ClinVar's aggregate classification.

NM_006846.4(SPINK5):c.2964+249G>A

Gene: SPINK5 (serine peptidase inhibitor Kazal type 5; plus strand). Cytogenetic location: 5q32.
Variant type: single nucleotide variant.
Coding change: c.2964+249G>A on transcript NM_006846.4 (MANE Select); 249 bases into the intron after coding-DNA position 2964, G replaced by A.
Molecular consequence: intron variant.
Genome position (GRCh38, 1-based): chr5:148,127,328, G>A. VCF-style: chr5-148127328-G-A. GRCh37 (hg19) VCF-style: chr5-147506891-G-A.
Other names: NC_000005.9:g.147506891G>A; c.3054+249G>A (NM_001127698.2).
Identifiers: ClinVar variation 677144 (VCV000677144.2), dbSNP rs2303072, ClinGen allele CA128945368.